The following is an entry in ClinVar:

NM_000313.4(PROS1):c.1241T>C (p.Phe414Ser)

Gene: PROS1 (protein S; minus strand). Cytogenetic location: 3q11.1.
Variant type: single nucleotide variant.
Coding change: c.1241T>C on transcript NM_000313.4 (MANE Select); coding-DNA position 1241, T replaced by C.
Protein change: p.Phe414Ser; replaces phenylalanine 414 with serine.
Molecular consequence: missense variant.
Genome position (GRCh38, 1-based): chr3:93,886,418, A>G on the plus strand (T>C on the coding strand, the complement: PROS1 is on the minus strand). VCF-style: chr3-93886418-A-G. GRCh37 (hg19) VCF-style: chr3-93605262-A-G.
Other names: c.1337T>C, p.Phe446Ser (NM_001314077.2); short protein forms F414S, F446S.
Identifiers: ClinVar variation 3013480 (VCV003013480.3), dbSNP rs2472117727, ClinGen allele CA353669816.

ClinVar aggregate classification (germline): Uncertain significance (1 of 4 stars; one submission).

Conditions:
Thrombophilia due to protein S deficiency, autosomal recessive (THPH6). Identifiers: Orphanet 743, MedGen C3281092, MONDO:0013791, OMIM 614514. Disease mechanism: loss of function.

Submission:

Labcorp Genetics (formerly Invitae), Labcorp
Classification: Uncertain significance for Thrombophilia due to protein S deficiency, autosomal recessive. Last evaluated: 2023-09-17. Review status: criteria provided, single submitter. Criteria: Invitae Variant Classification Sherloc (09022015). Collection method: clinical testing. Allele origin: germline.
Comment: In summary, the available evidence is currently insufficient to determine the role of this variant in disease. Therefore, it has been classified as a Variant of Uncertain Significance. Advanced modeling of protein sequence and biophysical properties (such as structural, functional, and spatial information, amino acid conservation, physicochemical variation, residue mobility, and thermodynamic stability) performed at Invitae indicates that this missense variant is expected to disrupt PROS1 protein function. This sequence change replaces phenylalanine, which is neutral and non-polar, with serine, which is neutral and polar, at codon 414 of the PROS1 protein (p.Phe414Ser). This missense change has been observed in individual(s) with protein S deficiency (PMID: 34729451). This variant is not present in population databases (gnomAD no frequency).

Literature cited by the submitters: PubMed 34729451.